The following is an entry in ClinVar:

ClinVar aggregate classification (germline): Uncertain significance (1 of 4 stars; one submission).

Conditions:
Hereditary spastic paraplegia 11. Also called: Nakamura Osame syndrome; Autosomal recessive hereditary spastic paraplegia, mental impairment, and thin corpus callosum; SPASTIC PARAPLEGIA, AUTOSOMAL RECESSIVE, COMPLICATED, WITH THIN CORPUS CALLOSUM; SPASTIC PARAPLEGIA, AUTOSOMAL RECESSIVE, WITH MENTAL IMPAIRMENT AND THIN CORPUS CALLOSUM; Spastic Paraplegia 11; Spastic paraplegia, mental retardation and thin corpus callosum. Identifiers: Orphanet 2822, MedGen C1858479, MONDO:0011445, OMIM 604360.

Allele frequency attached by ClinVar (database versions not stated): gnomAD exomes below 0.00001.
gnomAD v4.1: 1 of 1,614,128 alleles (0.000062%); highest among the groups gnomAD compares: South Asian, 0.0011%; no homozygotes.

Submission:

Labcorp Genetics (formerly Invitae), Labcorp
Classification: Uncertain significance for Hereditary spastic paraplegia 11. Last evaluated: 2024-09-05. Review status: criteria provided, single submitter. Criteria: Invitae Variant Classification Sherloc (09022015). Collection method: clinical testing. Allele origin: germline.
Comment: This sequence change replaces tyrosine, which is neutral and polar, with asparagine, which is neutral and polar, at codon 2411 of the SPG11 protein (p.Tyr2411Asn). This variant is not present in population databases (gnomAD no frequency). This variant has not been reported in the literature in individuals affected with SPG11-related conditions. ClinVar contains an entry for this variant (Variation ID: 1941369). Invitae Evidence Modeling of protein sequence and biophysical properties (such as structural, functional, and spatial information, amino acid conservation, physicochemical variation, residue mobility, and thermodynamic stability) indicates that this missense variant is not expected to disrupt SPG11 protein function with a negative predictive value of 80%. In summary, the available evidence is currently insufficient to determine the role of this variant in disease. Therefore, it has been classified as a Variant of Uncertain Significance.

NM_025137.4(SPG11):c.7231T>A (p.Tyr2411Asn)

Gene: SPG11 (SPG11 vesicle trafficking associated, spatacsin; minus strand). Cytogenetic location: 15q21.1.
Variant type: single nucleotide variant.
Coding change: c.7231T>A on transcript NM_025137.4 (MANE Select); coding-DNA position 7231, T replaced by A.
Protein change: p.Tyr2411Asn; replaces tyrosine 2411 with asparagine.
Molecular consequence: missense variant.
Genome position (GRCh38, 1-based): chr15:44,563,222, A>T on the plus strand (T>A on the coding strand, the complement: SPG11 is on the minus strand). VCF-style: chr15-44563222-A-T. GRCh37 (hg19) VCF-style: chr15-44855420-A-T.
Other names: c.6892T>A, p.Tyr2298Asn (NM_001160227.2); c.7087T>A, p.Tyr2363Asn (NM_001411132.1); short protein forms Y2363N, Y2411N, Y2298N.
Identifiers: ClinVar variation 1941369 (VCV001941369.4), dbSNP rs2505149098, ClinGen allele CA392211322.